The following is an entry in ClinVar:

NM_020937.4(FANCM):c.3020T>C (p.Leu1007Ser)

Gene: FANCM (FA complementation group M; plus strand). Cytogenetic location: 14q21.2.
Variant type: single nucleotide variant.
Coding change: c.3020T>C on transcript NM_020937.4 (MANE Select); coding-DNA position 3020, T replaced by C.
Protein change: p.Leu1007Ser; replaces leucine 1007 with serine.
Molecular consequence: missense variant.
Genome position (GRCh38, 1-based): chr14:45,175,774, T>C. VCF-style: chr14-45175774-T-C. GRCh37 (hg19) VCF-style: chr14-45644977-T-C.
Other names: c.2942T>C, p.Leu981Ser (NM_001308133.2); short protein forms L981S, L1007S.
Identifiers: ClinVar variation 5021511 (VCV005021511.1).

ClinVar aggregate classification (germline): Uncertain significance (1 of 4 stars; one submission).

Conditions:
Inborn genetic diseases. Identifiers: MedGen C0950123, MeSH D030342.

Submission:

Ambry Genetics
Classification: Uncertain significance for Inborn genetic diseases. Last evaluated: 2026-08-20. Review status: criteria provided, single submitter. Criteria: Ambry Variant Classification Scheme 2023. Collection method: clinical testing. Allele origin: germline.
Comment: The p.L1007S variant (also known as c.3020T>C), located in coding exon 14 of the FANCM gene, results from a T to C substitution at nucleotide position 3020. The leucine at codon 1007 is replaced by serine, an amino acid with dissimilar properties. This amino acid position is conserved. In addition, this alteration is predicted to be tolerated by in silico analysis. Based on the available evidence, the clinical significance of this variant remains unclear.